The following is an entry in ClinVar:

NM_019888.3(MC3R):c.137T>C (p.Leu46Pro)

Gene: MC3R (melanocortin 3 receptor; plus strand). Cytogenetic location: 20q13.2.
Variant type: single nucleotide variant.
Coding change: c.137T>C on transcript NM_019888.3 (MANE Select); coding-DNA position 137, T replaced by C.
Protein change: p.Leu46Pro; replaces leucine 46 with proline.
Molecular consequence: missense variant.
Genome position (GRCh38, 1-based): chr20:56,248,980, T>C. VCF-style: chr20-56248980-T-C. GRCh37 (hg19) VCF-style: chr20-54824036-T-C.
Other names: short protein forms L46P.
Identifiers: ClinVar variation 2182714 (VCV002182714.7), dbSNP rs760789846, ClinGen allele CA9916935.
Genomic context (GRCh38, chr20:56,248,980, plus strand): 5'-TCAGCAACCAGAGCAGCAGCGCCTTCTGTGAGCAGGTCTTCATCAAGCCCGAGGTTTTCC[T>C]GTCTCTGGGCATCGTCAGTCTGCTGGAAAACATCCTGGTTATCCTGGCCGTGGTCAGGAA-3'
Protein context (NP_063941.3, residues 36-56): EQVFIKPEVF[Leu46Pro]SLGIVSLLEN

ClinVar aggregate classification (germline): Uncertain significance. Review status: criteria provided, single submitter (1 of 4 stars). 2 submissions from 2 submitters: Uncertain significance (1). 1 of the submissions does not count toward it. Last evaluated 2025-06-04.

Conditions:
MC3R-related disorder. Also called: MC3R-related condition.

Allele frequency attached by ClinVar (database versions not stated): gnomAD 0.00001; gnomAD exomes 0.00001; ExAC 0.00002; TOPMed 0.00003.

Submissions (2):

Labcorp Genetics (formerly Invitae), Labcorp
Classification: Uncertain significance. Last evaluated: 2025-06-04. Review status: criteria provided, single submitter. Criteria: Invitae Variant Classification Sherloc (09022015). Collection method: clinical testing. Allele origin: germline.
Comment: This sequence change replaces leucine, which is neutral and non-polar, with proline, which is neutral and non-polar, at codon 46 of the MC3R protein (p.Leu46Pro). This variant is present in population databases (rs760789846, gnomAD 0.01%). This variant has not been reported in the literature in individuals affected with MC3R-related conditions. ClinVar contains an entry for this variant (Variation ID: 2182714). An algorithm developed to predict the effect of missense changes on protein structure and function (PolyPhen-2) suggests that this variant is likely to be disruptive. In summary, the available evidence is currently insufficient to determine the role of this variant in disease. Therefore, it has been classified as a Variant of Uncertain Significance.

PreventionGenetics, part of Exact Sciences
Classification: Uncertain significance for MC3R-related condition. Last evaluated: 2024-03-28. Review status: no assertion criteria provided. Collection method: clinical testing. Allele origin: germline. Not counted in ClinVar's aggregate classification.
Comment: The MC3R c.137T>C variant is predicted to result in the amino acid substitution p.Leu46Pro. To our knowledge, this variant has not been reported in the literature. This variant is reported in 0.014% of alleles in individuals of Latino descent in gnomAD. At this time, the clinical significance of this variant is uncertain due to the absence of conclusive functional and genetic evidence.